The following is an entry in ClinVar:

NM_001378615.1(CC2D2A):c.1501A>G (p.Lys501Glu)

Genes: CC2D2A (coiled-coil and C2 domain containing 2A; plus strand), FBXL5 (F-box and leucine rich repeat protein 5; minus strand). Cytogenetic location: 4p15.32.
Variant type: single nucleotide variant.
Coding change: c.1501A>G on transcript NM_001378615.1 (MANE Select); coding-DNA position 1501, A replaced by G.
Protein change: p.Lys501Glu; replaces lysine 501 with glutamic acid.
Molecular consequence: missense variant.
Genome position (GRCh38, 1-based): chr4:15,533,227, A>G. VCF-style: chr4-15533227-A-G. GRCh37 (hg19) VCF-style: chr4-15534850-A-G.
Other names: c.1501A>G, p.Lys501Glu (NM_001080522.2); c.1354A>G, p.Lys452Glu (NM_001378617.1); short protein forms K452E, K501E.
Identifiers: ClinVar variation 1035743 (VCV001035743.8), dbSNP rs759556765, ClinGen allele CA2863699.

ClinVar aggregate classification (germline): Uncertain significance. Review status: criteria provided, multiple submitters, no conflicts (2 of 4 stars). 3 submissions from 3 submitters: Uncertain significance (3). Last evaluated 2024-08-27.

Conditions:
Joubert syndrome. Also called: JOUBERT-BOLTSHAUSER SYNDROME; Familial aplasia of the vermis. Identifiers: Orphanet 475, MedGen C5979921, MONDO:0018772.
Meckel-Gruber syndrome. Also called: Dysencephalia splachnocystica; DYSENCEPHALIA SPLANCHNOCYSTICA; GRUBER SYNDROME. Identifiers: Orphanet 564, MedGen C0265215, MONDO:0018921.
Inborn genetic diseases. Identifiers: MedGen C0950123, MeSH D030342.

Allele frequency attached by ClinVar (database versions not stated): gnomAD exomes below 0.00001 and 0.00002; ExAC 0.00001; gnomAD 0.00001; TOPMed 0.00001.
gnomAD v4.1: 12 of 1,594,528 alleles (0.00075%); highest among the groups gnomAD compares: African/African-American, 0.0014%; no homozygotes.

Submissions (3):

Ambry Genetics
Classification: Uncertain significance for Inborn genetic diseases. Last evaluated: 2024-08-27. Review status: criteria provided, single submitter. Criteria: Ambry Variant Classification Scheme 2023. Collection method: clinical testing. Allele origin: germline.

Blueprint Genetics
Classification: Uncertain significance. Last evaluated: 2024-03-12. Review status: criteria provided, single submitter. Criteria: ACMG Guidelines, 2015. Collection method: clinical testing. Allele origin: germline.

Labcorp Genetics (formerly Invitae), Labcorp
Classification: Uncertain significance for Joubert syndrome; Meckel-Gruber syndrome. Last evaluated: 2022-04-15. Review status: criteria provided, single submitter. Criteria: Invitae Variant Classification Sherloc (09022015). Collection method: clinical testing. Allele origin: germline.
Comment: This sequence change replaces lysine, which is basic and polar, with glutamic acid, which is acidic and polar, at codon 501 of the CC2D2A protein (p.Lys501Glu). The frequency data for this variant in the population databases is considered unreliable, as metrics indicate poor data quality at this position in the gnomAD database. This variant has not been reported in the literature in individuals affected with CC2D2A-related conditions. ClinVar contains an entry for this variant (Variation ID: 1035743). Advanced modeling of protein sequence and biophysical properties (such as structural, functional, and spatial information, amino acid conservation, physicochemical variation, residue mobility, and thermodynamic stability) performed at Invitae indicates that this missense variant is not expected to disrupt CC2D2A protein function. In summary, the available evidence is currently insufficient to determine the role of this variant in disease. Therefore, it has been classified as a Variant of Uncertain Significance.